The following is an entry in ClinVar:

NM_020779.4(WDR35):c.3454C>T (p.Leu1152Phe)

Gene: WDR35 (WD repeat domain 35; minus strand). Cytogenetic location: 2p24.1.
Variant type: single nucleotide variant.
Coding change: c.3454C>T on transcript NM_020779.4 (MANE Select); coding-DNA position 3454, C replaced by T.
Protein change: p.Leu1152Phe; replaces leucine 1152 with phenylalanine.
Molecular consequence: missense variant.
Genome position (GRCh38, 1-based): chr2:19,913,617, G>A on the plus strand (C>T on the coding strand, the complement: WDR35 is on the minus strand). VCF-style: chr2-19913617-G-A. GRCh37 (hg19) VCF-style: chr2-20113378-G-A.
Other names: c.3487C>T, p.Leu1163Phe (NM_001006657.2); short protein forms L1152F, L1163F.
Identifiers: ClinVar variation 2045868 (VCV002045868.4), dbSNP rs759903398, ClinGen allele CA1542657.

ClinVar aggregate classification (germline): Uncertain significance (1 of 4 stars; one submission).

Conditions:
Short-rib thoracic dysplasia 7 with or without polydactyly (SRTD7). Also called: Short rib polydactyly syndrome 5; SHORT-RIB THORACIC DYSPLASIA 7 WITH POLYDACTYLY. Identifiers: Orphanet 498497, Orphanet 93271, MedGen C3279792, MONDO:0013569, OMIM 614091.
Cranioectodermal dysplasia 2 (CED2). Identifiers: Orphanet 1515, MedGen C3150874, MONDO:0013323, OMIM 613610.

Allele frequency attached by ClinVar (database versions not stated): gnomAD 0.00001; gnomAD exomes 0.00001; TOPMed 0.00001; ExAC 0.00002.
gnomAD v4.1: 7 of 1,613,934 alleles (0.00043%); highest among the groups gnomAD compares: Non-Finnish European, 0.00051%; no homozygotes.

Submission:

Labcorp Genetics (formerly Invitae), Labcorp
Classification: Uncertain significance for Cranioectodermal dysplasia 2; Short-rib thoracic dysplasia 7 with or without polydactyly. Last evaluated: 2024-10-24. Review status: criteria provided, single submitter. Criteria: Invitae Variant Classification Sherloc (09022015). Collection method: clinical testing. Allele origin: germline.
Comment: This sequence change replaces leucine, which is neutral and non-polar, with phenylalanine, which is neutral and non-polar, at codon 1163 of the WDR35 protein (p.Leu1163Phe). This variant is present in population databases (rs759903398, gnomAD 0.002%). This variant has not been reported in the literature in individuals affected with WDR35-related conditions. ClinVar contains an entry for this variant (Variation ID: 2045868). Invitae Evidence Modeling of protein sequence and biophysical properties (such as structural, functional, and spatial information, amino acid conservation, physicochemical variation, residue mobility, and thermodynamic stability) indicates that this missense variant is not expected to disrupt WDR35 protein function with a negative predictive value of 95%. In summary, the available evidence is currently insufficient to determine the role of this variant in disease. Therefore, it has been classified as a Variant of Uncertain Significance.